The following is an entry in ClinVar:

NM_018847.4(KLHL9):c.1483C>T (p.Leu495Phe)

Gene: KLHL9 (kelch like family member 9; minus strand). Cytogenetic location: 9p21.3.
Variant type: single nucleotide variant.
Coding change: c.1483C>T on transcript NM_018847.4 (MANE Select); coding-DNA position 1483, C replaced by T.
Protein change: p.Leu495Phe; replaces leucine 495 with phenylalanine.
Molecular consequence: missense variant.
Genome position (GRCh38, 1-based): chr9:21,333,377, G>A on the plus strand (C>T on the coding strand, the complement: KLHL9 is on the minus strand). VCF-style: chr9-21333377-G-A. GRCh37 (hg19) VCF-style: chr9-21333376-G-A.
Other names: short protein forms L495F.
Identifiers: ClinVar variation 4777368 (VCV004777368.1).
Genomic context (GRCh38, chr9:21,333,377, plus strand): 5'-AGCTTAGAACATCATCATAATCACTTGTTCCTCTGAAGTGATTGCCACCAATGACATAGA[G>A]CTTATCTCCAACTGTACACATGCAATGCAGACCTCTGACTGTAGTCATTGGAGCCTTTTG-3'
Protein context (NP_061335.1, residues 485-505): LHCMCTVGDK[Leu495Phe]YVIGGNHFRG

ClinVar aggregate classification (germline): Uncertain significance (1 of 4 stars; one submission).

gnomAD v4.1: 1 of 1,614,186 alleles (0.000062%); highest among the groups gnomAD compares: Non-Finnish European, 0.000085%; no homozygotes.

Submission:

Labcorp Genetics (formerly Invitae), Labcorp
Classification: Uncertain significance. Last evaluated: 2025-07-11. Review status: criteria provided, single submitter. Criteria: Invitae Variant Classification Sherloc (09022015). Collection method: clinical testing. Allele origin: germline.
Comment: This sequence change replaces leucine, which is neutral and non-polar, with phenylalanine, which is neutral and non-polar, at codon 495 of the KLHL9 protein (p.Leu495Phe). This variant is not present in population databases (gnomAD no frequency). This variant has not been reported in the literature in individuals affected with KLHL9-related conditions. Invitae Evidence Modeling of protein sequence and biophysical properties (such as structural, functional, and spatial information, amino acid conservation, physicochemical variation, residue mobility, and thermodynamic stability) indicates that this missense variant is not expected to disrupt KLHL9 protein function with a negative predictive value of 80%. In summary, the available evidence is currently insufficient to determine the role of this variant in disease. Therefore, it has been classified as a Variant of Uncertain Significance.